The following is an entry in ClinVar:

NM_001282116.2(RFX3):c.631C>T (p.His211Tyr)

Gene: RFX3 (regulatory factor X3; minus strand). Cytogenetic location: 9p24.2.
Variant type: single nucleotide variant.
Coding change: c.631C>T on transcript NM_001282116.2 (MANE Select); coding-DNA position 631, C replaced by T.
Protein change: p.His211Tyr; replaces histidine 211 with tyrosine.
Molecular consequence: missense variant.
Genome position (GRCh38, 1-based): chr9:3,293,177, G>A on the plus strand (C>T on the coding strand, the complement: RFX3 is on the minus strand). VCF-style: chr9-3293177-G-A. GRCh37 (hg19) VCF-style: chr9-3293177-G-A.
Other names: c.631C>T, p.His211Tyr (NM_001282117.2, NM_001377999.1, NM_002919.4 and 1 more transcripts); short protein forms H211Y.
Identifiers: ClinVar variation 3602844 (VCV003602844.1).
Genomic context (GRCh38, chr9:3,293,177, plus strand): 5'-ATCTTATTAATTTTCCAAAAGAGGCAGCATTGACTGGGTCCAGTTTGTGTTCCTGACAGT[G>A]TCGAAGGTAGTGGTTGTACAGAGTGCTTCTGGGAAGGCTCACTCCTTCTGCTGTCTCATA-3'
Protein context (NP_001269045.1, residues 201-221): RSTLYNHYLR[His211Tyr]CQEHKLDPVN

ClinVar aggregate classification (germline): Uncertain significance (1 of 4 stars; one submission).

Submission:

GeneDx
Classification: Uncertain significance. Last evaluated: 2024-08-07. Review status: criteria provided, single submitter. Criteria: GeneDx Variant Classification Process June 2021. Collection method: clinical testing. Allele origin: germline. Affected: yes.
Comment: Not observed at significant frequency in large population cohorts (gnomAD); In silico analysis supports that this missense variant has a deleterious effect on protein structure/function; Has not been previously published as pathogenic or benign to our knowledge